The following is an entry in ClinVar:

NM_001429.4(EP300):c.3199C>T (p.Arg1067Cys)

Gene: EP300 (EP300 lysine acetyltransferase; plus strand). Cytogenetic location: 22q13.2.
Variant type: single nucleotide variant.
Coding change: c.3199C>T on transcript NM_001429.4 (MANE Select); coding-DNA position 3199, C replaced by T.
Protein change: p.Arg1067Cys; replaces arginine 1067 with cysteine.
Molecular consequence: missense variant.
Genome position (GRCh38, 1-based): chr22:41,155,051, C>T. VCF-style: chr22-41155051-C-T. GRCh37 (hg19) VCF-style: chr22-41551055-C-T.
Other names: c.3121C>T, p.Arg1041Cys (NM_001362843.2); short protein forms R1067C, R1041C.
Identifiers: ClinVar variation 4977361 (VCV004977361.1).

ClinVar aggregate classification (germline): Uncertain significance (1 of 4 stars; one submission).

Conditions:
EP300-related disorder. Also called: EP300-related disorders; EP300-related condition.

gnomAD v4.1: 10 of 1,613,904 alleles (0.00062%); highest among the groups gnomAD compares: South Asian, 0.0011%; no homozygotes.

Submission:

PreventionGenetics, part of Exact Sciences
Classification: Uncertain significance for EP300-related condition. Last evaluated: 2024-12-17. Review status: criteria provided, single submitter. Criteria: ACMG Guidelines, 2015. Collection method: clinical testing. Allele origin: germline.
Comment: The EP300 c.3199C>T variant is predicted to result in the amino acid substitution p.Arg1067Cys. This variant was reported in an individual with autism (Supplementary Data 1, Zhou et al. 2022. PubMed ID: 35982159). This variant is reported in 0.00088% of alleles in individuals of European (Non-Finnish) descent in gnomAD. At this time, the clinical significance of this variant is uncertain due to the absence of conclusive functional and genetic evidence.